The following is an entry in ClinVar:

ClinVar aggregate classification (germline): Uncertain significance. Review status: criteria provided, multiple submitters, no conflicts (2 of 4 stars). 5 submissions from 5 submitters: Uncertain significance (5). Last evaluated 2025-12-24.

Conditions:
Hereditary cancer-predisposing syndrome. Also called: Hereditary Cancer Syndrome; Tumor predisposition; Hereditary neoplastic syndrome; Neoplastic Syndromes, Hereditary. Identifiers: Orphanet 140162, MedGen C0027672, MeSH D009386, MONDO:0015356.
Familial adenomatous polyposis 1 (FAP1). Also called: POLYPOSIS, ADENOMATOUS INTESTINAL; FAMILIAL ADENOMATOUS POLYPOSIS 1, ATTENUATED. Identifiers: MedGen C2713442, MONDO:0021056, OMIM 175100. Disease mechanism: loss of function.

gnomAD v4.1: 3 of 1,613,730 alleles (0.00019%); highest among the groups gnomAD compares: Non-Finnish European, 0.00025%; no homozygotes.

Submissions (5):

Dasa
Classification: Uncertain significance. Last evaluated: 2025-12-24. Review status: criteria provided, single submitter. Criteria: DASA Assertion Criteria. Collection method: clinical testing. Allele origin: germline.
Comment: NM_000038.6(APC):c.5684C>G (p.Thr1895Ser) is a missense variant that results in the substitution of threonine with serine. This variant is rare in population databases. The currently available literature and clinical evidence are not sufficient to establish a definitive association between this variant and the reported condition. Therefore, this variant is classified as a variant of uncertain significance.

Ambry Genetics
Classification: Uncertain significance for Hereditary cancer-predisposing syndrome. Last evaluated: 2025-04-25. Review status: criteria provided, single submitter. Criteria: Ambry Variant Classification Scheme 2023. Collection method: clinical testing. Allele origin: germline.
Comment: The p.T1895S variant (also known as c.5684C>G), located in coding exon 15 of the APC gene, results from a C to G substitution at nucleotide position 5684. The threonine at codon 1895 is replaced by serine, an amino acid with similar properties. This amino acid position is conserved. In addition, in silico predictors for this gene do not accurately predict pathogenicity. Based on the available evidence, the clinical significance of this variant remains unclear.

Color Diagnostics, LLC DBA Color Health
Classification: Uncertain significance for Hereditary cancer-predisposing syndrome. Last evaluated: 2024-03-06. Review status: criteria provided, single submitter. Criteria: ACMG Guidelines, 2015. Collection method: clinical testing. Allele origin: germline.
Comment: This missense variant replaces threonine with serine at codon 1895 of the APC protein. Computational prediction tool suggests that this variant may not impact protein structure and function. Splice site prediction tools suggest that this variant may not impact RNA splicing. To our knowledge, functional studies have not been performed for this variant. This variant has not been reported in individuals affected with hereditary cancer in the literature. This variant has not been identified in the general population by the Genome Aggregation Database (gnomAD). The available evidence is insufficient to determine the role of this variant in disease conclusively. Therefore, this variant is classified as a Variant of Uncertain Significance.

Labcorp Genetics (formerly Invitae), Labcorp
Classification: Uncertain significance for Familial adenomatous polyposis 1. Last evaluated: 2022-09-23. Review status: criteria provided, single submitter. Criteria: Invitae Variant Classification Sherloc (09022015). Collection method: clinical testing. Allele origin: germline.
Comment: This variant is not present in population databases (gnomAD no frequency). This variant has not been reported in the literature in individuals affected with APC-related conditions. ClinVar contains an entry for this variant (Variation ID: 418583). Advanced modeling of protein sequence and biophysical properties (such as structural, functional, and spatial information, amino acid conservation, physicochemical variation, residue mobility, and thermodynamic stability) performed at Invitae indicates that this missense variant is not expected to disrupt APC protein function. In summary, the available evidence is currently insufficient to determine the role of this variant in disease. Therefore, it has been classified as a Variant of Uncertain Significance. This sequence change replaces threonine, which is neutral and polar, with serine, which is neutral and polar, at codon 1895 of the APC protein (p.Thr1895Ser).

GeneDx
Classification: Uncertain significance. Last evaluated: 2016-04-07. Review status: criteria provided, single submitter. Criteria: GeneDx Variant Classification (06012015). Collection method: clinical testing. Allele origin: germline. Affected: yes.
Comment: This variant is denoted APC c.5684C>G at the cDNA level, p.Thr1895Ser (T1895S) at the protein level, and results in the change of a Threonine to a Serine (ACC>AGC). This variant has not, to our knowledge, been published in the literature as pathogenic or benign. APC Thr1895Ser was not observed in approximately 6,500 individuals of European and African American ancestry in the NHLBI Exome Sequencing Project, suggesting it is not a common benign variant in these populations. Since Threonine and Serine share similar properties, this is considered a conservative amino acid substitution. APC Thr1895Ser occurs at a position that is not conserved and is located within the 20 amino acid repeat B-catenin down-regulating domain as well as the SAMP repeats/axin binding domain (Azzopardi 2008). In silico analyses predict that this variant is unlikely to alter protein structure or function. Based on currently available evidence, it is unclear whether APC Thr1895Ser is a pathogenic or benign variant. We consider it to be a variant of uncertain significance.

NM_000038.6(APC):c.5684C>G (p.Thr1895Ser)

Gene: APC (APC regulator of Wnt signaling pathway; plus strand). Cytogenetic location: 5q22.2.
Variant type: single nucleotide variant.
Coding change: c.5684C>G on transcript NM_000038.6 (MANE Select); coding-DNA position 5684, C replaced by G.
Protein change: p.Thr1895Ser; replaces threonine 1895 with serine.
Molecular consequence: missense variant.
Genome position (GRCh38, 1-based): chr5:112,841,278, C>G. VCF-style: chr5-112841278-C-G. GRCh37 (hg19) VCF-style: chr5-112176975-C-G.
Other names: c.5684C>G, p.Thr1895Ser (NM_001127510.3, NM_001354895.2); c.5630C>G, p.Thr1877Ser (NM_001127511.3); c.5738C>G, p.Thr1913Ser (NM_001354896.2); c.5714C>G, p.Thr1905Ser (NM_001354897.2); c.5609C>G, p.Thr1870Ser (NM_001354898.2); c.5600C>G, p.Thr1867Ser (NM_001354899.2); c.5561C>G, p.Thr1854Ser (NM_001354900.2); c.5507C>G, p.Thr1836Ser (NM_001354901.2); and 5 more; short protein forms T1877S, T1895S, T1854S, T1867S, T1870S, T1913S, T1612S, T1794S.
Identifiers: ClinVar variation 418583 (VCV000418583.20), dbSNP rs752605851, ClinGen allele CA16033778.